The following is an entry in ClinVar:

NM_000069.3(CACNA1S):c.1005-154C>T

Gene: CACNA1S (calcium voltage-gated channel subunit alpha1 S; minus strand). Cytogenetic location: 1q32.1.
Variant type: single nucleotide variant.
Coding change: c.1005-154C>T on transcript NM_000069.3 (MANE Select); 154 bases into the intron before coding-DNA position 1005, C replaced by T.
Molecular consequence: intron variant.
Genome position (GRCh38, 1-based): chr1:201,085,735, G>A on the plus strand (C>T on the coding strand, the complement: CACNA1S is on the minus strand). VCF-style: chr1-201085735-G-A. GRCh37 (hg19) VCF-style: chr1-201054863-G-A.
Identifiers: ClinVar variation 678187 (VCV000678187.2), dbSNP rs188358034, ClinGen allele CA35990707.

ClinVar aggregate classification (germline): Likely benign. Review status: criteria provided, multiple submitters, no conflicts (2 of 4 stars). 2 submissions from 2 submitters: Likely benign (2). Last evaluated 2018-06-16.

Allele frequency attached by ClinVar (database versions not stated): 1000 Genomes Project 30x 0.00141; 1000 Genomes Project 0.00160; TOPMed 0.00352; gnomAD 0.00493 and 0.00517.
gnomAD v4.1: 744 of 152,050 alleles (0.49%); highest among the groups gnomAD compares: Non-Finnish European, 0.73%; 6 homozygotes.

Submissions (2):

GeneDx
Classification: Likely benign. Last evaluated: 2018-06-16. Review status: criteria provided, single submitter. Criteria: GeneDx Variant Classification (06012015). Collection method: clinical testing. Allele origin: germline. Affected: yes.
Comment: This variant is considered likely benign or benign based on one or more of the following criteria: it is a conservative change, it occurs at a poorly conserved position in the protein, it is predicted to be benign by multiple in silico algorithms, and/or has population frequency not consistent with disease.

Breakthrough Genomics
Classification: Likely benign. Review status: criteria provided, single submitter. Criteria: ACMG Guidelines, 2015. Collection method: not provided. Allele origin: germline. Inheritance: Autosomal dominant inheritance. Affected: yes.